The following is an entry in ClinVar:

NM_001375405.1(CEP120):c.2183G>A (p.Ser728Asn)

Gene: CEP120 (centrosomal protein 120; minus strand). Cytogenetic location: 5q23.2.
Variant type: single nucleotide variant.
Coding change: c.2183G>A on transcript NM_001375405.1 (MANE Select); coding-DNA position 2183, G replaced by A.
Protein change: p.Ser728Asn; replaces serine 728 with asparagine.
Molecular consequence: missense variant. On other transcripts: non-coding transcript variant (1).
Genome position (GRCh38, 1-based): chr5:123,378,349, C>T on the plus strand (G>A on the coding strand, the complement: CEP120 is on the minus strand). VCF-style: chr5-123378349-C-T. GRCh37 (hg19) VCF-style: chr5-122714043-C-T.
Other names: c.2105G>A, p.Ser702Asn (NM_001166226.2); c.2048G>A, p.Ser683Asn (NM_001375406.1); c.2183G>A, p.Ser728Asn (NM_001375407.1, NM_153223.4); c.1610G>A, p.Ser537Asn (NM_001375408.1, NM_001375409.1); short protein forms S537N, S683N, S702N, S728N.
Identifiers: ClinVar variation 4690611 (VCV004690611.1).

ClinVar aggregate classification (germline): Uncertain significance (1 of 4 stars; one submission).

Conditions:
Short-rib thoracic dysplasia 13 with or without polydactyly (SRTD13). Identifiers: Orphanet 474, MedGen C4225378, MONDO:0014577, OMIM 616300.

gnomAD v4.1: 6 of 1,606,112 alleles (0.00037%); highest among the groups gnomAD compares: East Asian, 0.0045%; no homozygotes.

Submission:

Labcorp Genetics (formerly Invitae), Labcorp
Classification: Uncertain significance for Short-rib thoracic dysplasia 13 with or without polydactyly. Last evaluated: 2025-05-02. Review status: criteria provided, single submitter. Criteria: Invitae Variant Classification Sherloc (09022015). Collection method: clinical testing. Allele origin: germline.
Comment: This sequence change replaces serine, which is neutral and polar, with asparagine, which is neutral and polar, at codon 728 of the CEP120 protein (p.Ser728Asn). This variant is not present in population databases (gnomAD no frequency). This variant has not been reported in the literature in individuals affected with CEP120-related conditions. Invitae Evidence Modeling of protein sequence and biophysical properties (such as structural, functional, and spatial information, amino acid conservation, physicochemical variation, residue mobility, and thermodynamic stability) indicates that this missense variant is not expected to disrupt CEP120 protein function with a negative predictive value of 80%. In summary, the available evidence is currently insufficient to determine the role of this variant in disease. Therefore, it has been classified as a Variant of Uncertain Significance.